The following is an entry in ClinVar:

NM_016592.5(GNAS):c.127C>A (p.Arg43Ser)

Genes: GNAS (GNAS complex locus; plus strand), GNAS-AS1 (GNAS antisense RNA 1; minus strand). Cytogenetic location: 20q13.32.
Variant type: single nucleotide variant.
Coding change: c.127C>A on transcript NM_016592.5 (MANE Plus Clinical); coding-DNA position 127, C replaced by A.
Protein change: p.Arg43Ser; replaces arginine 43 with serine.
Molecular consequence: missense variant. On other transcripts: 5 prime UTR variant (1).
Genome position (GRCh38, 1-based): chr20:58,840,233, C>A. VCF-style: chr20-58840233-C-A. GRCh37 (hg19) VCF-style: chr20-57415288-C-A.
Other names: c.-611C>A (NM_001410912.1); short protein forms R43S.
Identifiers: ClinVar variation 4998046 (VCV004998046.1).

ClinVar aggregate classification (germline): Uncertain significance (1 of 4 stars; one submission).

Conditions:
GNAS-related disorder. Identifiers: MedGen CN380105.

Submission:

PreventionGenetics, part of Exact Sciences
Classification: Uncertain significance for GNAS-related condition. Last evaluated: 2024-11-16. Review status: criteria provided, single submitter. Criteria: ACMG Guidelines, 2015. Collection method: clinical testing. Allele origin: germline.
Comment: The GNAS c.127C>A variant is predicted to result in the amino acid substitution p.Arg43Ser. Of note, this variant can also be referred to as c.-51494C>A (pre-coding) in the more commonly reported isoform, NM_000516. To our knowledge, this variant has not been reported in the literature or in a large population database (gnomAD), indicating this variant is rare. At this time, the clinical significance of this variant is uncertain due to the absence of conclusive functional and genetic evidence.